The following is an entry in ClinVar:

NM_000051.4(ATM):c.5416del (p.Trp1805_Ile1806insTer)

Gene: ATM (ATM serine/threonine kinase; plus strand). Cytogenetic location: 11q22.3.
Variant type: Deletion.
Coding change: c.5416del on transcript NM_000051.4 (MANE Select); coding-DNA position 5416, one base deleted (A; older notation c.5416delA).
Protein change: p.Trp1805_Ile1806insTer.
Molecular consequence: nonsense.
Genome position (GRCh38, 1-based): chr11:108,302,949, A deleted. VCF-style (leftmost placement, unchanged base first): chr11-108302948-GA-G. GRCh37 (hg19) VCF-style: chr11-108173675-GA-G.
Other names: c.5416delA (NM_000051.3); c.5416del, p.Trp1805_Ile1806insTer (NM_001351834.2).
Identifiers: ClinVar variation 246001 (VCV000246001.14), dbSNP rs879254041, ClinGen allele CA10584349.

ClinVar aggregate classification (germline): Pathogenic/Likely pathogenic. Review status: criteria provided, multiple submitters, no conflicts (2 of 4 stars). 7 submissions from 7 submitters: Pathogenic (4); Likely pathogenic (2). 1 of the submissions does not count toward it. Last evaluated 2025-05-20.

Conditions:
Familial cancer of breast. Also called: BREAST CANCER, FAMILIAL; Hereditary breast cancer; hereditary breast carcinoma. Identifiers: Orphanet 227535, MedGen C0346153, MONDO:0016419, OMIM 114480. Disease mechanism: loss of function.
Hereditary cancer-predisposing syndrome. Also called: Neoplastic Syndromes, Hereditary; Tumor predisposition; Hereditary neoplastic syndrome; Hereditary Cancer Syndrome. Identifiers: Orphanet 140162, MedGen C0027672, MeSH D009386, MONDO:0015356.
Ataxia-telangiectasia syndrome (AT). Also called: Cerebello-oculocutaneous telangiectasia; Immunodeficiency with ataxia telangiectasia; Ataxia-telangiectasia; Ataxia telangiectasia (A-T); LOUIS-BAR SYNDROME; Ataxia-telangiectasia, complementation group D. Identifiers: Orphanet 100, MedGen C0004135, MONDO:0008840, OMIM 208900.

Allele frequency attached by ClinVar (database versions not stated): gnomAD exomes below 0.00001.

Submissions (7):

Color Diagnostics, LLC DBA Color Health
Classification: Pathogenic for Hereditary cancer-predisposing syndrome. Last evaluated: 2025-05-20. Review status: criteria provided, single submitter. Criteria: ACMG Guidelines, 2015. Collection method: clinical testing. Allele origin: germline.
Comment: This variant deletes 1 nucleotide in exon 36 of the ATM gene, creating a frameshift and premature translation stop signal. This variant is expected to result in an absent or non-functional protein product. To our knowledge, this variant has not been reported in individuals affected with ATM-related disorders in the literature. This variant has not been identified in the general population by the Genome Aggregation Database (gnomAD). Loss of ATM function is a known mechanism of disease. Based on the available evidence, this variant is classified as Pathogenic.

Myriad Genetics, Inc.
Classification: Pathogenic for Familial cancer of breast. Last evaluated: 2024-01-25. Review status: criteria provided, single submitter. Criteria: Myriad Autosomal Dominant, Autosomal Recessive and X-Linked Classification Criteria (2023). Collection method: clinical testing. Allele origin: unknown.
Comment: This variant is considered pathogenic. This variant creates a termination codon and is predicted to result in premature protein truncation.

Labcorp Genetics (formerly Invitae), Labcorp
Classification: Pathogenic for Ataxia-telangiectasia syndrome. Last evaluated: 2023-09-27. Review status: criteria provided, single submitter. Criteria: Invitae Variant Classification Sherloc (09022015). Collection method: clinical testing. Allele origin: germline.
Comment: For these reasons, this variant has been classified as Pathogenic. RNA analysis performed to evaluate the impact of this premature translational stop signal on mRNA splicing indicates it does not significantly alter splicing (Invitae). ClinVar contains an entry for this variant (Variation ID: 246001). This premature translational stop signal has been observed in individual(s) with ATM-related conditions (PMID: 32853339). This variant is not present in population databases (gnomAD no frequency). This sequence change creates a premature translational stop signal (p.Ile1806*) in the ATM gene. It is expected to result in an absent or disrupted protein product. Loss-of-function variants in ATM are known to be pathogenic (PMID: 23807571, 25614872).

Ambry Genetics
Classification: Pathogenic for Hereditary cancer-predisposing syndrome. Last evaluated: 2022-04-25. Review status: criteria provided, single submitter. Criteria: Ambry Variant Classification Scheme 2023. Collection method: clinical testing. Allele origin: germline.
Comment: The c.5416delA pathogenic mutation, located in coding exon 35 of the ATM gene, results from a deletion of one nucleotide at nucleotide position 5416, causing a translational frameshift with a predicted alternate stop codon (p.I1806*). This variant is considered to be rare based on population cohorts in the Genome Aggregation Database (gnomAD). This alteration is expected to result in loss of function by premature protein truncation or nonsense-mediated mRNA decay. As such, this alteration is interpreted as a disease-causing mutation.

Baylor Genetics
Classification: Likely pathogenic for Familial cancer of breast. Last evaluated: 2021-05-29. Review status: criteria provided, single submitter. Criteria: ACMG Guidelines, 2015. Collection method: clinical testing. Allele origin: unknown.

GeneDx
Classification: Likely pathogenic. Last evaluated: 2017-06-13. Review status: criteria provided, single submitter. Criteria: GeneDx Variant Classification (06012015). Collection method: clinical testing. Allele origin: germline. Affected: yes.
Comment: This deletion of one nucleotide is denoted ATM c.5416delA at the cDNA level and p.Ile1806Ter (I1806X) at the protein level. The normal sequence, with the base that is deleted in braces, is TTGG[A]TAAA. The deletion creates a nonsense variant, which changes an Isoleucine to a premature stop codon. Although this variant has not been previously reported to our knowledge, it is predicted to cause loss of normal protein function through either protein truncation or nonsense-mediated mRNA decay, and is considered likely pathogenic.

Department of Pathology and Laboratory Medicine, Sinai Health System
Classification: Likely pathogenic. Review status: no assertion criteria provided. Collection method: clinical testing. Allele origin: unknown. Affected: yes. Study: The Canadian Open Genetics Repository (COGR). Not counted in ClinVar's aggregate classification.
Comment: The ATM p.Ile1806* variant was not identified in the literature nor was it identified in the LOVD 3.0 database. The variant was identified in dbSNP (ID: rs879254041) as â€šÃ„ÃºWith Likely pathogenic alleleâ€šÃ„Ã¹, and ClinVar (as likely pathogenic by GeneDx). The variant was not identified in the following control databases: the Exome Aggregation Consortium (August 8th 2016), or the Genome Aggregation Database (Feb 27, 2017). The p.Ile1806 variant leads to a premature stop codon at position 1806 which is predicted to lead to a truncated or absent protein and loss of function. Loss of function variants of the ATM gene are an established mechanism of disease in ATM associated cancers and is the type of variant expected to cause the disorder. In summary, based on the above information the clinical significance of this variant cannot be determined with certainty at this time although we would lean towards a more pathogenic role for this variant. This variant is classified as likely pathogenic.

Literature cited by the submitters: PubMed 32853339 (cited by Labcorp Genetics (formerly Invitae), Labcorp); PubMed 23807571 (cited by Labcorp Genetics (formerly Invitae), Labcorp); PubMed 25614872 (cited by Labcorp Genetics (formerly Invitae), Labcorp).